The following is an entry in ClinVar:

ClinVar aggregate classification (germline): Benign. Review status: criteria provided, multiple submitters, no conflicts (2 of 4 stars). 3 submissions from 3 submitters: Benign (2). 1 of the submissions does not count toward it. Last evaluated 2026-02-01.

Conditions:
DNAH9-related disorder. Also called: DNAH9-related condition.

Allele frequency attached by ClinVar (database versions not stated): gnomAD exomes 0.00132 and 0.00336; ExAC 0.00445; gnomAD 0.01320 and 0.01407; TOPMed 0.01460; ESP Exome Variant Server 0.01538; 1000 Genomes Project 0.01837; 1000 Genomes Project 30x 0.01921.
gnomAD v4.1: 4,065 of 1,613,510 alleles (0.25%); highest among the groups gnomAD compares: African/African-American, 4.7%; 96 homozygotes.

Submissions (3):

Labcorp Genetics (formerly Invitae), Labcorp
Classification: Benign. Last evaluated: 2026-02-01. Review status: criteria provided, single submitter. Criteria: Invitae Variant Classification Sherloc (09022015). Collection method: clinical testing. Allele origin: germline.

Breakthrough Genomics
Classification: Benign. Review status: criteria provided, single submitter. Criteria: ACMG Guidelines, 2015. Collection method: not provided. Allele origin: germline. Inheritance: Autosomal recessive inheritance. Affected: yes.

PreventionGenetics, part of Exact Sciences
Classification: Benign for DNAH9-related condition. Last evaluated: 2019-05-28. Review status: no assertion criteria provided. Collection method: clinical testing. Allele origin: germline. Not counted in ClinVar's aggregate classification.
Comment: This variant is classified as benign based on ACMG/AMP sequence variant interpretation guidelines (Richards et al. 2015 PMID: 25741868, with internal and published modifications).

NM_001372.4(DNAH9):c.13384T>C (p.Trp4462Arg)

Gene: DNAH9 (dynein axonemal heavy chain 9; plus strand). Cytogenetic location: 17p12.
Variant type: single nucleotide variant.
Coding change: c.13384T>C on transcript NM_001372.4 (MANE Select); coding-DNA position 13384, T replaced by C.
Protein change: p.Trp4462Arg; replaces tryptophan 4462 with arginine.
Molecular consequence: missense variant.
Genome position (GRCh38, 1-based): chr17:11,969,450, T>C. VCF-style: chr17-11969450-T-C. GRCh37 (hg19) VCF-style: chr17-11872767-T-C.
Other names: c.2320T>C, p.Trp774Arg (NM_004662.2); c.13384T>C (NM_001372.3); short protein forms W4462R, W774R.
Identifiers: ClinVar variation 1532920 (VCV001532920.11), dbSNP rs8074656, ClinGen allele CA8398419.